The following is an entry in ClinVar:

NM_000518.5(HBB):c.419A>C (p.Asn140Thr)

Genes: HBB (hemoglobin subunit beta; minus strand), LOC107133510 (origin of replication at HBB; plus strand), LOC110006319 (beta-globin gene 3' regulatory region; plus strand). Cytogenetic location: 11p15.4.
Variant type: single nucleotide variant.
Coding change: c.419A>C on transcript NM_000518.5 (MANE Select); coding-DNA position 419, A replaced by C.
Protein change: p.Asn140Thr; replaces asparagine 140 with threonine.
Molecular consequence: missense variant.
Genome position (GRCh38, 1-based): chr11:5,225,623, T>G on the plus strand (A>C on the coding strand, the complement: HBB is on the minus strand). VCF-style: chr11-5225623-T-G. GRCh37 (hg19) VCF-style: chr11-5246853-T-G.
Other names: N139T; c.419A>C (NM_000518.4); short protein forms N140T.
Identifiers: ClinVar variation 15573 (VCV000015573.3), dbSNP rs34407387, ClinGen allele CA125470.

ClinVar aggregate classification (germline): Uncertain significance. Review status: criteria provided, single submitter (1 of 4 stars). 2 submissions from 2 submitters: Uncertain significance (1). 1 of the submissions does not count toward it. Last evaluated 2024-05-15.

Conditions:
HEMOGLOBIN SAGAMI.

Submissions (2):

Quest Diagnostics Nichols Institute San Juan Capistrano
Classification: Uncertain significance. Last evaluated: 2024-05-15. Review status: criteria provided, single submitter. Criteria: Quest Diagnostics criteria. Collection method: clinical testing. Allele origin: unknown.
Comment: The HBB c.419A>C (p.Asn140Thr) variant, also known as Hb Sagami, has been reported in the published literature in combination with a beta+ thalassemia variant in a reportedly healthy individual (PMID: 10490140 (1999)). This variant is also described to have decreased oxygen affinity (PMID: 10490140 (1999), HbVar, ITHANET), however further evidence is needed to assess it's global impact on protein function. This variant has not been reported in large, multi-ethnic general populations (Genome Aggregation Database). Analysis of this variant using bioinformatics tools for the prediction of the effect of amino acid changes on protein structure and function yielded conflicting predictions that this variant is deleterious or benign. Based on the available information, we are unable to determine the clinical significance of this variant.

OMIM
Classification: other for HEMOGLOBIN SAGAMI. Last evaluated: 2017-12-12. Review status: no assertion criteria provided. Collection method: literature only. Allele origin: germline. Not counted in ClinVar's aggregate classification.

Literature cited by the submitters: PubMed 10490140 (cited by Quest Diagnostics Nichols Institute San Juan Capistrano and OMIM); PubMed 9654755 (cited by Quest Diagnostics Nichols Institute San Juan Capistrano); PubMed 19429541 (cited by Quest Diagnostics Nichols Institute San Juan Capistrano).